The following is an entry in ClinVar:

ClinVar aggregate classification (germline): Likely benign. Review status: criteria provided, multiple submitters, no conflicts (2 of 4 stars). 3 submissions from 3 submitters: Likely benign (3). Last evaluated 2026-06-01.

Conditions:
Inborn genetic diseases. Identifiers: MedGen C0950123, MeSH D030342.

Allele frequency attached by ClinVar (database versions not stated): ExAC 0.00008; ESP Exome Variant Server 0.00009; gnomAD 0.00009; TOPMed 0.00014; gnomAD exomes 0.00017.
gnomAD v4.1: 215 of 1,209,131 alleles (0.018%); highest among the groups gnomAD compares: Middle Eastern, 0.091%; 1 homozygote.

Submissions (3):

CeGaT Center for Human Genetics Tuebingen
Classification: Likely benign. Last evaluated: 2026-06-01. Review status: criteria provided, single submitter. Criteria: CeGaT Center For Human Genetics Tuebingen Variant Classification Criteria Version 2. Collection method: clinical testing. Allele origin: germline. Affected: yes. Observed: 1 variant allele.
Comment: NLGN3: BP4, BP7, BS2

Blueprint Genetics
Classification: Likely benign. Last evaluated: 2024-10-30. Review status: criteria provided, single submitter. Criteria: ACMG Guidelines, 2015. Collection method: clinical testing. Allele origin: germline.

Ambry Genetics
Classification: Likely benign for Inborn genetic diseases. Last evaluated: 2015-08-14. Review status: criteria provided, single submitter. Criteria: Ambry Variant Classification Scheme 2023. Collection method: clinical testing. Allele origin: germline.

NM_181303.2(NLGN3):c.414C>T (p.Asn138=)

Gene: NLGN3 (neuroligin 3; plus strand). Cytogenetic location: Xq13.1.
Variant type: single nucleotide variant.
Coding change: c.414C>T on transcript NM_181303.2 (MANE Select); coding-DNA position 414, C replaced by T.
Protein change: p.Asn138=; no amino-acid change (asparagine 138 retained).
Molecular consequence: synonymous variant.
Genome position (GRCh38, 1-based): chrX:71,148,163, C>T. VCF-style: chrX-71148163-C-T. GRCh37 (hg19) VCF-style: chrX-70368013-C-T.
Other names: c.414C>T, p.Asn138= (NM_001166660.2, NM_018977.4); c.63C>T, p.Asn21= (NM_001321276.2).
Identifiers: ClinVar variation 1738241 (VCV001738241.5), dbSNP rs2233439, ClinGen allele CA10445005.
Genomic context (GRCh38, chrX:71,148,163, plus strand): 5'-GCTGCCGGTCTGGTTCACTGCCAACTTGGATATCGTCGCTACTTACATCCAGGAGCCCAA[C>T]GAAGACTGTCTCTACCTGAACGTCTATGTGCCGACGGAGGATGGTGAGTGCTGCGGCCAG-3'
Protein context (NP_851820.1, residues 128-148): DIVATYIQEP[Asn138=]EDCLYLNVYV